The following is an entry in ClinVar:

NM_000053.4(ATP7B):c.4354_4357dup (p.Ser1453fs)

Gene: ATP7B (ATPase copper transporting beta; minus strand). Cytogenetic location: 13q14.3.
Variant type: Duplication.
Coding change: c.4354_4357dup on transcript NM_000053.4 (MANE Select); coding-DNA positions 4354 to 4357, 4 bases duplicated (TGGT; older notation c.4354_4357dupTGGT).
Protein change: p.Ser1453fs; shifts the reading frame from serine 1453.
Molecular consequence: frameshift variant.
Genome position (GRCh38, 1-based): chr13:51,934,797-51,934,800, ACCA duplicated on the plus strand (TGGT on the coding strand, the reverse complement: ATP7B is on the minus strand). VCF-style (leftmost placement, unchanged base first): chr13-51934796-G-GACCA. GRCh37 (hg19) VCF-style: chr13-52508932-G-GACCA.
Other names: c.3733_3736dup, p.Ser1246fs (NM_001005918.3); c.4021_4024dup, p.Ser1342fs (NM_001243182.2); c.4120_4123dup, p.Ser1375fs (NM_001330578.2); c.4102_4105dup, p.Ser1369fs (NM_001330579.2); c.4354_4357dup, p.Ser1453Leufs (NM_001406511.1, NM_001406512.1); c.4348_4351dup, p.Ser1451Leufs (NM_001406513.1); c.4321_4324dup, p.Ser1442Leufs (NM_001406514.1); c.4300_4303dup, p.Ser1435Leufs (NM_001406515.1, NM_001406516.1); and 23 more; short protein forms S1342fs, S1369fs, S1246fs, S1375fs, S1453fs.
Identifiers: ClinVar variation 2161078 (VCV002161078.4), dbSNP rs2547539694, ClinGen allele CA2580087647.

ClinVar aggregate classification (germline): Pathogenic (1 of 4 stars; one submission).

Conditions:
Wilson disease (WND). Also called: Wilson's disease. Identifiers: Orphanet 905, MedGen C0019202, MONDO:0010200, OMIM 277900. Disease mechanism: loss of function.

Submission:

Labcorp Genetics (formerly Invitae), Labcorp
Classification: Pathogenic for Wilson disease. Last evaluated: 2023-07-19. Review status: criteria provided, single submitter. Criteria: Invitae Variant Classification Sherloc (09022015). Collection method: clinical testing. Allele origin: germline.
Comment: This sequence change creates a premature translational stop signal (p.Ser1453Leufs*10) in the ATP7B gene. While this is not anticipated to result in nonsense mediated decay, it is expected to disrupt the last 13 amino acid(s) of the ATP7B protein. This variant is not present in population databases (gnomAD no frequency). This variant has not been reported in the literature in individuals affected with ATP7B-related conditions. ClinVar contains an entry for this variant (Variation ID: 2161078). This variant disrupts a region of the ATP7B protein in which other variant(s) (p.Arg1459Glyfs*2) have been determined to be pathogenic (PMID: 26799313). This suggests that this is a clinically significant region of the protein, and that variants that disrupt it are likely to be disease-causing. For these reasons, this variant has been classified as Pathogenic.

Literature cited by the submitters: PubMed 26799313.